The following is an entry in ClinVar:

NM_005144.5(HR):c.2059C>T (p.Arg687Trp)

Gene: HR (HR lysine demethylase and nuclear receptor corepressor; minus strand). Cytogenetic location: 8p21.3.
Variant type: single nucleotide variant.
Coding change: c.2059C>T on transcript NM_005144.5 (MANE Select); coding-DNA position 2059, C replaced by T.
Protein change: p.Arg687Trp; replaces arginine 687 with tryptophan.
Molecular consequence: missense variant.
Genome position (GRCh38, 1-based): chr8:22,122,555, G>A on the plus strand (C>T on the coding strand, the complement: HR is on the minus strand). VCF-style: chr8-22122555-G-A. GRCh37 (hg19) VCF-style: chr8-21980068-G-A.
Other names: c.2059C>T (NM_005144.4); c.2059C>T, p.Arg687Trp (NM_018411.4); short protein forms R687W.
Identifiers: ClinVar variation 2716210 (VCV002716210.4), dbSNP rs201573819, ClinGen allele CA4662265.

ClinVar aggregate classification (germline): Uncertain significance. Review status: criteria provided, multiple submitters, no conflicts (2 of 4 stars). 2 submissions from 2 submitters: Uncertain significance (2). Last evaluated 2024-10-03.

Conditions:
Inborn genetic diseases. Identifiers: MedGen C0950123, MeSH D030342.

Allele frequency attached by ClinVar (database versions not stated): ExAC 0.00007; 1000 Genomes Project 30x 0.00016; 1000 Genomes Project 0.00020.
gnomAD v4.1: 47 of 1,612,196 alleles (0.0029%); highest among the groups gnomAD compares: Middle Eastern, 0.017%; no homozygotes.

Submissions (2):

Ambry Genetics
Classification: Uncertain significance for Inborn genetic diseases. Last evaluated: 2024-10-03. Review status: criteria provided, single submitter. Criteria: Ambry Variant Classification Scheme 2023. Collection method: clinical testing. Allele origin: germline.

Labcorp Genetics (formerly Invitae), Labcorp
Classification: Uncertain significance. Last evaluated: 2022-11-23. Review status: criteria provided, single submitter. Criteria: Invitae Variant Classification Sherloc (09022015). Collection method: clinical testing. Allele origin: germline.
Comment: In summary, the available evidence is currently insufficient to determine the role of this variant in disease. Therefore, it has been classified as a Variant of Uncertain Significance. Algorithms developed to predict the effect of missense changes on protein structure and function (SIFT, PolyPhen-2, Align-GVGD) all suggest that this variant is likely to be disruptive. This variant has not been reported in the literature in individuals affected with HR-related conditions. This variant is present in population databases (rs201573819, gnomAD 0.02%). This sequence change replaces arginine, which is basic and polar, with tryptophan, which is neutral and slightly polar, at codon 687 of the HR protein (p.Arg687Trp).